The following is an entry in ClinVar:

NM_006017.3(PROM1):c.347G>T (p.Gly116Val)

Gene: PROM1 (prominin 1; minus strand). Cytogenetic location: 4p15.32.
Variant type: single nucleotide variant.
Coding change: c.347G>T on transcript NM_006017.3 (MANE Select); coding-DNA position 347, G replaced by T.
Protein change: p.Gly116Val; replaces glycine 116 with valine.
Molecular consequence: missense variant.
Genome position (GRCh38, 1-based): chr4:16,033,466, C>A on the plus strand (G>T on the coding strand, the complement: PROM1 is on the minus strand). VCF-style: chr4-16033466-C-A. GRCh37 (hg19) VCF-style: chr4-16035089-C-A.
Other names: c.320G>T, p.Gly107Val (NM_001145847.2, NM_001145848.2, NM_001145851.2 and 4 more transcripts); c.347G>T, p.Gly116Val (NM_001145849.2, NM_001145850.2); short protein forms G107V, G116V.
Identifiers: ClinVar variation 2013072 (VCV002013072.4), dbSNP rs2530799816, ClinGen allele CA356427875.

ClinVar aggregate classification (germline): Uncertain significance (1 of 4 stars; one submission).

Submission:

Labcorp Genetics (formerly Invitae), Labcorp
Classification: Uncertain significance. Last evaluated: 2024-07-01. Review status: criteria provided, single submitter. Criteria: Invitae Variant Classification Sherloc (09022015). Collection method: clinical testing. Allele origin: germline.
Comment: This sequence change replaces glycine, which is neutral and non-polar, with valine, which is neutral and non-polar, at codon 116 of the PROM1 protein (p.Gly116Val). This variant is not present in population databases (gnomAD no frequency). This variant has not been reported in the literature in individuals affected with PROM1-related conditions. ClinVar contains an entry for this variant (Variation ID: 2013072). Advanced modeling of protein sequence and biophysical properties (such as structural, functional, and spatial information, amino acid conservation, physicochemical variation, residue mobility, and thermodynamic stability) performed at Invitae indicates that this missense variant is expected to disrupt PROM1 protein function with a positive predictive value of 80%. In summary, the available evidence is currently insufficient to determine the role of this variant in disease. Therefore, it has been classified as a Variant of Uncertain Significance.